The following is an entry in ClinVar:

NM_000487.6(ARSA):c.892G>T (p.Gly298Cys)

Gene: ARSA (arylsulfatase A; minus strand). Cytogenetic location: 22q13.33.
Variant type: single nucleotide variant.
Coding change: c.892G>T on transcript NM_000487.6 (MANE Select); coding-DNA position 892, G replaced by T.
Protein change: p.Gly298Cys; replaces glycine 298 with cysteine.
Molecular consequence: missense variant.
Genome position (GRCh38, 1-based): chr22:50,626,241, C>A on the plus strand (G>T on the coding strand, the complement: ARSA is on the minus strand). VCF-style: chr22-50626241-C-A. GRCh37 (hg19) VCF-style: chr22-51064669-C-A.
Other names: c.892G>T, p.Gly298Cys (NM_001085425.3, NM_001085426.3, NM_001085427.3); c.634G>T, p.Gly212Cys (NM_001085428.3, NM_001362782.2); short protein forms G298C, G212C.
Identifiers: ClinVar variation 1450436 (VCV001450436.7), dbSNP rs748876604, ClinGen allele CA412174821.

ClinVar aggregate classification (germline): Likely pathogenic. Review status: criteria provided, multiple submitters, no conflicts (2 of 4 stars). 2 submissions from 2 submitters: Likely pathogenic (2). Last evaluated 2024-03-24.

Conditions:
Metachromatic leukodystrophy (MLD). Also called: CEREBROSIDE SULFATASE DEFICIENCY; METACHROMATIC LEUKOENCEPHALOPATHY; SULFATIDE LIPIDOSIS; ARSA DEFICIENCY; Cerebral sclerosis diffuse metachromatic form; Arylsulfatase A Deficiency. Identifiers: Orphanet 512, MedGen C0023522, MONDO:0018868, OMIM 250100.

Submissions (2):

Fulgent Genetics
Classification: Likely pathogenic for Metachromatic leukodystrophy. Last evaluated: 2024-03-24. Review status: criteria provided, single submitter. Criteria: ACMG Guidelines, 2015. Collection method: clinical testing. Allele origin: germline.

Labcorp Genetics (formerly Invitae), Labcorp
Classification: Likely pathogenic for Metachromatic leukodystrophy. Last evaluated: 2022-01-11. Review status: criteria provided, single submitter. Criteria: Invitae Variant Classification Sherloc (09022015). Collection method: clinical testing. Allele origin: germline.
Comment: This sequence change replaces glycine, which is neutral and non-polar, with cysteine, which is neutral and slightly polar, at codon 298 of the ARSA protein (p.Gly298Cys). This variant is not present in population databases (gnomAD no frequency). This missense change has been observed in individual(s) with clinical features of ARSA-related conditions (Invitae). Advanced modeling of protein sequence and biophysical properties (such as structural, functional, and spatial information, amino acid conservation, physicochemical variation, residue mobility, and thermodynamic stability) performed at Invitae indicates that this missense variant is expected to disrupt ARSA protein function. This variant disrupts the p.Gly298 amino acid residue in ARSA. Other variant(s) that disrupt this residue have been determined to be pathogenic (PMID: 30057904, 32617873; Invitae). This suggests that this residue is clinically significant, and that variants that disrupt this residue are likely to be disease-causing. In summary, the currently available evidence indicates that the variant is pathogenic, but additional data are needed to prove that conclusively. Therefore, this variant has been classified as Likely Pathogenic.

Literature cited by the submitters: PubMed 30057904 (cited by Labcorp Genetics (formerly Invitae), Labcorp); PubMed 32617873 (cited by Labcorp Genetics (formerly Invitae), Labcorp).